The following is an entry in ClinVar:

ClinVar aggregate classification (germline): Pathogenic. Review status: reviewed by expert panel (3 of 4 stars). 4 submissions from 4 submitters: Pathogenic (1). 3 of the submissions do not count toward it. Last evaluated 2016-10-18.

Conditions:
Hereditary breast ovarian cancer syndrome. Also called: Hereditary breast and ovarian cancer; Breast and ovarian cancer; BRCA1- and BRCA2-Associated Hereditary Breast and Ovarian Cancer; Hereditary breast and ovarian cancer syndrome; Hereditary breast and ovarian cancer syndrome (HBOC); Hereditary breast and/or ovarian cancer syndrome. Identifiers: Orphanet 145, MedGen C0677776, MeSH D061325, MONDO:0003582. Disease mechanism: loss of function.
Hereditary cancer-predisposing syndrome. Also called: Tumor predisposition; Hereditary Cancer Syndrome; Hereditary neoplastic syndrome; Neoplastic Syndromes, Hereditary. Identifiers: Orphanet 140162, MedGen C0027672, MeSH D009386, MONDO:0015356.
Breast-ovarian cancer, familial, susceptibility to, 2 (BROVCA2). Also called: BRCA2 Hereditary Breast and Ovarian Cancer. Identifiers: Orphanet 145, MedGen C2675520, MONDO:0012933, OMIM 612555. Disease mechanism: loss of function.

Submissions (4):

Evidence-based Network for the Interpretation of Germline Mutant Alleles (ENIGMA)
Classification: Pathogenic for Breast-ovarian cancer, familial, susceptibility to, 2. Last evaluated: 2016-10-18. Review status: reviewed by expert panel. Criteria: ENIGMA BRCA1/2 Classification Criteria (2015). Collection method: curation. Allele origin: germline.
Comment: Variant allele predicted to encode a truncated non-functional protein.

Ambry Genetics
Classification: Pathogenic for Hereditary cancer-predisposing syndrome. Last evaluated: 2024-11-18. Review status: criteria provided, single submitter. Criteria: Ambry Variant Classification Scheme 2023. Collection method: clinical testing. Allele origin: germline. Not counted in ClinVar's aggregate classification.
Comment: The p.C717* pathogenic mutation (also known as c.2151T>A), located in coding exon 10 of the BRCA2 gene, results from a T to A substitution at nucleotide position 2151. This changes the amino acid from a cysteine to a stop codon within coding exon 10. This alteration is expected to result in loss of function by premature protein truncation or nonsense-mediated mRNA decay. As such, this alteration is interpreted as a disease-causing mutation.

Labcorp Genetics (formerly Invitae), Labcorp
Classification: Pathogenic for Hereditary breast ovarian cancer syndrome. Last evaluated: 2024-09-08. Review status: criteria provided, single submitter. Criteria: Invitae Variant Classification Sherloc (09022015). Collection method: clinical testing. Allele origin: germline. Not counted in ClinVar's aggregate classification.
Comment: This sequence change creates a premature translational stop signal (p.Cys717*) in the BRCA2 gene. It is expected to result in an absent or disrupted protein product. Loss-of-function variants in BRCA2 are known to be pathogenic (PMID: 20104584). This variant is not present in population databases (gnomAD no frequency). This premature translational stop signal has been observed in individual(s) with a personal and/or family history of breast or ovarian cancer (PMID: 29446198). ClinVar contains an entry for this variant (Variation ID: 233600). For these reasons, this variant has been classified as Pathogenic.

Consortium of Investigators of Modifiers of BRCA1/2 (CIMBA), c/o University of Cambridge
Classification: Pathogenic for Breast-ovarian cancer, familial, susceptibility to, 2. Last evaluated: 2015-10-02. Review status: criteria provided, single submitter. Criteria: CIMBA Mutation Classification guidelines May 2016. Collection method: clinical testing. Allele origin: germline. Not counted in ClinVar's aggregate classification.

Literature cited by the submitters: PubMed 20104584 (cited by Labcorp Genetics (formerly Invitae), Labcorp); PubMed 29446198 (cited by Labcorp Genetics (formerly Invitae), Labcorp).

NM_000059.4(BRCA2):c.2151T>A (p.Cys717Ter)

Gene: BRCA2 (BRCA2 DNA repair associated; plus strand). Cytogenetic location: 13q13.1.
Variant type: single nucleotide variant.
Coding change: c.2151T>A on transcript NM_000059.4 (MANE Select); coding-DNA position 2151, T replaced by A.
Protein change: p.Cys717Ter; replaces cysteine 717 with a stop codon.
Molecular consequence: nonsense.
Genome position (GRCh38, 1-based): chr13:32,336,506, T>A. VCF-style: chr13-32336506-T-A. GRCh37 (hg19) VCF-style: chr13-32910643-T-A.
Other names: 2379T>A (C717X); short protein forms C717*.
Identifiers: ClinVar variation 233600 (VCV000233600.12), dbSNP rs876660512, ClinGen allele CA10579525.